The following is an entry in ClinVar:

ClinVar aggregate classification (germline): Uncertain significance (1 of 4 stars; one submission).

Conditions:
Familial temporal lobe epilepsy 7. Identifiers: Orphanet 101046, MedGen C4225327, MONDO:0014639, OMIM 616436.
Norman-Roberts syndrome (LIS2). Also called: Lissencephaly 2 (Norman-Roberts type). Identifiers: Orphanet 89844, MedGen C0796089, MONDO:0009760, OMIM 257320.

Submission:

Labcorp Genetics (formerly Invitae), Labcorp
Classification: Uncertain significance for Familial temporal lobe epilepsy 7; Norman-Roberts syndrome. Last evaluated: 2022-06-20. Review status: criteria provided, single submitter. Criteria: Invitae Variant Classification Sherloc (09022015). Collection method: clinical testing. Allele origin: germline.
Comment: This sequence change replaces methionine, which is neutral and non-polar, with valine, which is neutral and non-polar, at codon 1036 of the RELN protein (p.Met1036Val). This variant is not present in population databases (gnomAD no frequency). This variant has not been reported in the literature in individuals affected with RELN-related conditions. Algorithms developed to predict the effect of missense changes on protein structure and function are either unavailable or do not agree on the potential impact of this missense change (SIFT: "Deleterious"; PolyPhen-2: "Benign"; Align-GVGD: "Class C0"). In summary, the available evidence is currently insufficient to determine the role of this variant in disease. Therefore, it has been classified as a Variant of Uncertain Significance.

NM_005045.4(RELN):c.3106A>G (p.Met1036Val)

Gene: RELN (reelin; minus strand). Cytogenetic location: 7q22.1.
Variant type: single nucleotide variant.
Coding change: c.3106A>G on transcript NM_005045.4 (MANE Select); coding-DNA position 3106, A replaced by G.
Protein change: p.Met1036Val; replaces methionine 1036 with valine.
Molecular consequence: missense variant.
Genome position (GRCh38, 1-based): chr7:103,604,386, T>C on the plus strand (A>G on the coding strand, the complement: RELN is on the minus strand). VCF-style: chr7-103604386-T-C. GRCh37 (hg19) VCF-style: chr7-103244833-T-C.
Other names: c.3106A>G, p.Met1036Val (NM_173054.3); short protein forms M1036V.
Identifiers: ClinVar variation 2170315 (VCV002170315.4), dbSNP rs2484737295, ClinGen allele CA368763716.